The following is an entry in ClinVar:

NM_000551.4(VHL):c.*823G>A

Genes: VHL (von Hippel-Lindau tumor suppressor; plus strand), LOC107303340 (3p25 von Hippel-Lindau tumor suppressor, E3 ubiquitin protein ligase Alu-mediated recombination region; plus strand). Cytogenetic location: 3p25.3.
Variant type: single nucleotide variant.
Coding change: c.*823G>A on transcript NM_000551.4 (MANE Select); 823 bases downstream of the stop codon, G replaced by A.
Molecular consequence: 3 prime UTR variant.
Genome position (GRCh38, 1-based): chr3:10,150,788, G>A. VCF-style: chr3-10150788-G-A. GRCh37 (hg19) VCF-style: chr3-10192472-G-A.
Other names: c.*1019G>A (NM_001354723.2); c.*823G>A (NM_198156.3).
Identifiers: ClinVar variation 342421 (VCV000342421.5), dbSNP rs7629500, ClinGen allele CA10614403.

ClinVar aggregate classification (germline): Likely benign (1 of 4 stars; one submission).

Conditions:
Von Hippel-Lindau syndrome (VHLS). Also called: Von Hippel-Lindau; von Hippel–Lindau syndrome; VHL syndrome. Identifiers: Orphanet 892, MedGen C0019562, MONDO:0008667, OMIM 193300. Disease mechanism: loss of function.

Allele frequency attached by ClinVar (database versions not stated): gnomAD exomes 0.00494; gnomAD 0.02539 and 0.02732; 1000 Genomes Project 0.02676; 1000 Genomes Project 30x 0.02936; TOPMed 0.02962.

Submission:

Illumina Laboratory Services, Illumina
Classification: Likely benign for Von Hippel-Lindau syndrome. Last evaluated: 2018-02-02. Review status: criteria provided, single submitter. Criteria: ICSL Variant Classification Criteria 13 December 2019. Collection method: clinical testing. Allele origin: germline.
Comment: This variant was observed as part of a predisposition screen in an ostensibly healthy population. A literature search was performed for the gene, cDNA change, and amino acid change (where applicable). No publications were found based on this search. Allele frequency data from public databases allowed determination this variant is unlikely to cause disease. Therefore, this variant is classified as likely benign.